The following is an entry in ClinVar:

ClinVar aggregate classification (germline): Benign/Likely benign. Review status: criteria provided, multiple submitters, no conflicts (2 of 4 stars). 7 submissions from 7 submitters: Benign (6); Likely benign (1). Last evaluated 2026-02-03.

Conditions:
Developmental and epileptic encephalopathy, 18 (DEE18). Also called: Early infantile epileptic encephalopathy 18. Identifiers: Orphanet 369894, MedGen C3809624, MONDO:0014201, OMIM 615476.
Inborn genetic diseases. Identifiers: MedGen C0950123, MeSH D030342.

Allele frequency attached by ClinVar (database versions not stated): 1000 Genomes Project 0.00359; 1000 Genomes Project 30x 0.00390; TOPMed 0.01167; ESP Exome Variant Server 0.01246; gnomAD 0.01256.
gnomAD v4.1: 22,820 of 1,613,574 alleles (1.4%); highest among the groups gnomAD compares: Non-Finnish European, 1.7%; 204 homozygotes.

Submissions (7):

Labcorp Genetics (formerly Invitae), Labcorp
Classification: Benign. Last evaluated: 2026-02-03. Review status: criteria provided, single submitter. Criteria: Invitae Variant Classification Sherloc (09022015). Collection method: clinical testing. Allele origin: germline.

Athena Diagnostics
Classification: Benign. Last evaluated: 2024-12-06. Review status: criteria provided, single submitter. Criteria: Athena Diagnostics Criteria. Collection method: clinical testing. Allele origin: unknown.
Comment: The frequency of this variant in the general population is higher than would generally be expected for pathogenic variants in this gene. Computational tools yielded predictions that this variant is unlikely to have an effect on normal RNA splicing. This nucleotide position exhibits low evolutionary conservation.

Blueprint Genetics
Classification: Likely benign. Last evaluated: 2024-11-26. Review status: criteria provided, single submitter. Criteria: ACMG Guidelines, 2015. Collection method: clinical testing. Allele origin: germline.

Genome-Nilou Lab
Classification: Benign for Developmental and epileptic encephalopathy, 18. Last evaluated: 2023-04-11. Review status: criteria provided, single submitter. Criteria: ACMG Guidelines, 2015. Collection method: clinical testing. Allele origin: germline. Affected: no.

GeneDx
Classification: Benign. Last evaluated: 2019-09-18. Review status: criteria provided, single submitter. Criteria: GeneDx Variant Classification Process June 2021. Collection method: clinical testing. Allele origin: germline. Affected: yes.

Ambry Genetics
Classification: Benign for Inborn genetic diseases. Last evaluated: 2016-04-26. Review status: criteria provided, single submitter. Criteria: Ambry Variant Classification Scheme 2023. Collection method: clinical testing. Allele origin: germline.

Breakthrough Genomics
Classification: Benign. Review status: criteria provided, single submitter. Criteria: ACMG Guidelines, 2015. Collection method: not provided. Allele origin: germline. Inheritance: Autosomal recessive inheritance. Affected: yes.

NM_001365999.1(SZT2):c.348C>A (p.Ile116=)

Gene: SZT2 (SZT2 subunit of KICSTOR complex; plus strand). Cytogenetic location: 1p34.2.
Variant type: single nucleotide variant.
Coding change: c.348C>A on transcript NM_001365999.1 (MANE Select); coding-DNA position 348, C replaced by A.
Protein change: p.Ile116=; no amino-acid change (isoleucine 116 retained).
Molecular consequence: synonymous variant.
Genome position (GRCh38, 1-based): chr1:43,404,400, C>A. VCF-style: chr1-43404400-C-A. GRCh37 (hg19) VCF-style: chr1-43870071-C-A.
Other names: c.348C>A, p.Ile116= (NM_015284.4).
Identifiers: ClinVar variation 416961 (VCV000416961.22), dbSNP rs41312024, ClinGen allele CA808149.
Genomic context (GRCh38, chr1:43,404,400, plus strand): 5'-TGCCTTTGGACCCCCTTGAGTGCTCTTTCTCTGCCCTCAGGATGATTCCACAGGGGAGAT[C>A]TTGTTTGATGAAGTTTTCCATGCCCTGTCCCGCTGCTTAGGCGGGCTGCTTCGGCCCTTC-3'
Protein context (NP_001352928.1, residues 106-126): TGIVDDSTGE[Ile116=]LFDEVFHALS